The following is an entry in ClinVar:

ClinVar aggregate classification (germline): Uncertain significance (1 of 4 stars; one submission).

Conditions:
Immunodeficiency 51 (IMD51). Also called: CANDIDIASIS, FAMILIAL, 5. Identifiers: Orphanet 1334, MedGen C4310803, MONDO:0013500, OMIM 613953.

gnomAD v4.1: 6 of 1,526,896 alleles (0.00039%); highest among the groups gnomAD compares: East Asian, 0.0025%; no homozygotes.

Submission:

Labcorp Genetics (formerly Invitae), Labcorp
Classification: Uncertain significance for Immunodeficiency 51. Last evaluated: 2025-11-02. Review status: criteria provided, single submitter. Criteria: Invitae Variant Classification Sherloc (09022015). Collection method: clinical testing. Allele origin: germline.
Comment: This sequence change replaces serine, which is neutral and polar, with alanine, which is neutral and non-polar, at codon 32 of the IL17RA protein (p.Ser32Ala). This variant is not present in population databases (gnomAD no frequency). This variant has not been reported in the literature in individuals affected with IL17RA-related conditions. An algorithm developed to predict the effect of missense changes on protein structure and function outputs the following: PolyPhen-2: "Not Available". The alanine amino acid residue is found in multiple mammalian species, which suggests that this missense change does not adversely affect protein function. In summary, the available evidence is currently insufficient to determine the role of this variant in disease. Therefore, it has been classified as a Variant of Uncertain Significance.

NM_014339.7(IL17RA):c.94T>G (p.Ser32Ala)

Gene: IL17RA (interleukin 17 receptor A; plus strand). Cytogenetic location: 22q11.1.
Variant type: single nucleotide variant.
Coding change: c.94T>G on transcript NM_014339.7 (MANE Select); coding-DNA position 94, T replaced by G.
Protein change: p.Ser32Ala; replaces serine 32 with alanine.
Molecular consequence: missense variant.
Genome position (GRCh38, 1-based): chr22:17,085,185, T>G. VCF-style: chr22-17085185-T-G. GRCh37 (hg19) VCF-style: chr22-17566075-T-G.
Other names: c.94T>G, p.Ser32Ala (NM_001289905.2); short protein forms S32A.
Identifiers: ClinVar variation 4764896 (VCV004764896.1).